The following is an entry in ClinVar:

NM_000053.4(ATP7B):c.1582G>A (p.Ala528Thr)

Gene: ATP7B (ATPase copper transporting beta; minus strand). Cytogenetic location: 13q14.3.
Variant type: single nucleotide variant.
Coding change: c.1582G>A on transcript NM_000053.4 (MANE Select); coding-DNA position 1582, G replaced by A.
Protein change: p.Ala528Thr; replaces alanine 528 with threonine.
Molecular consequence: missense variant.
Genome position (GRCh38, 1-based): chr13:51,968,569, C>T on the plus strand (G>A on the coding strand, the complement: ATP7B is on the minus strand). VCF-style: chr13-51968569-C-T. GRCh37 (hg19) VCF-style: chr13-52542705-C-T.
Other names: c.1582G>A, p.Ala528Thr (NM_001406538.1, NM_001406540.1, NM_001406541.1 and 26 more transcripts); c.1153G>A, p.Ala385Thr (NM_001406539.1); c.1486G>A, p.Ala496Thr (NM_001406543.1, NM_001406544.1, NM_001406517.1 and 3 more transcripts); c.1249G>A, p.Ala417Thr (NM_001243182.2); c.1549G>A, p.Ala517Thr (NM_001406514.1, NM_001406524.1); short protein forms A496T, A528T, A385T, A417T, A517T.
Identifiers: ClinVar variation 2148684 (VCV002148684.2), dbSNP rs1180236582, ClinGen allele CA388033322.
Genomic context (GRCh38, chr13:51,968,569, plus strand): 5'-CCTGGATGAACTGAGCTATCTCGAGGGGCTGGATGACCTCTGGGTCATACTTGATCTCTG[C>T]CTTTCCTGCCATCAAGGCAACCAACACGGAGAGAACACCTGGAACCATCAGGTCATGGCT-3'
Protein context (NP_000044.2, residues 518-538): SVLVALMAGK[Ala528Thr]EIKYDPEVIQ

ClinVar aggregate classification (germline): Uncertain significance. Review status: criteria provided, multiple submitters, no conflicts (2 of 4 stars). 2 submissions from 2 submitters: Uncertain significance (2). Last evaluated 2024-03-05.

Conditions:
Wilson disease (WND). Also called: Wilson's disease. Identifiers: Orphanet 905, MedGen C0019202, MONDO:0010200, OMIM 277900. Disease mechanism: loss of function.

Allele frequency attached by ClinVar (database versions not stated): gnomAD exomes below 0.00001; gnomAD 0.00001; TOPMed 0.00001.
gnomAD v4.1: 3 of 1,614,042 alleles (0.00019%); highest among the groups gnomAD compares: Non-Finnish European, 0.00025%; no homozygotes.

Submissions (2):

All of Us Research Program, National Institutes of Health
Classification: Uncertain significance for Wilson disease. Last evaluated: 2024-03-05. Review status: criteria provided, single submitter. Criteria: ACMG Guidelines, 2015. Collection method: clinical testing. Allele origin: germline. Inheritance: Autosomal recessive inheritance. Observed: 1 variant allele, 1 heterozygote.
Comment: This study involves interpretation of variants in research participants for the purpose of population health screening. Participant phenotype was not available at the time of variant classification. Additional details can be found in publication PMID: 35346344, PMCID: PMC8962531

Labcorp Genetics (formerly Invitae), Labcorp
Classification: Uncertain significance for Wilson disease. Last evaluated: 2022-06-25. Review status: criteria provided, single submitter. Criteria: Invitae Variant Classification Sherloc (09022015). Collection method: clinical testing. Allele origin: germline.
Comment: This sequence change replaces alanine, which is neutral and non-polar, with threonine, which is neutral and polar, at codon 528 of the ATP7B protein (p.Ala528Thr). This variant is present in population databases (no rsID available, gnomAD 0.002%). This variant has not been reported in the literature in individuals affected with ATP7B-related conditions. Advanced modeling of protein sequence and biophysical properties (such as structural, functional, and spatial information, amino acid conservation, physicochemical variation, residue mobility, and thermodynamic stability) performed at Invitae indicates that this missense variant is expected to disrupt ATP7B protein function. In summary, the available evidence is currently insufficient to determine the role of this variant in disease. Therefore, it has been classified as a Variant of Uncertain Significance.